The following is an entry in ClinVar:

NM_002878.4(RAD51D):c.624C>T (p.Val208=)

Genes: RAD51D (RAD51 paralog D; minus strand), RAD51L3-RFFL (RAD51L3-RFFL readthrough; minus strand). Cytogenetic location: 17q12.
Variant type: single nucleotide variant.
Coding change: c.624C>T on transcript NM_002878.4 (MANE Select); coding-DNA position 624, C replaced by T.
Protein change: p.Val208=; no amino-acid change (valine 208 retained).
Molecular consequence: synonymous variant. On other transcripts: non-coding transcript variant (3).
Genome position (GRCh38, 1-based): chr17:35,103,497, G>A on the plus strand (C>T on the coding strand, the complement: RAD51D is on the minus strand). VCF-style: chr17-35103497-G-A. GRCh37 (hg19) VCF-style: chr17-33430516-G-A.
Other names: c.684C>T, p.Val228= (NM_001142571.2); c.288C>T, p.Val96= (NM_133629.3).
Identifiers: ClinVar variation 826269 (VCV000826269.14), dbSNP rs1597858797, ClinGen allele CA499730620.

ClinVar aggregate classification (germline): Conflicting classifications of pathogenicity. Review status: criteria provided, conflicting classifications (1 of 4 stars). 4 submissions from 4 submitters: Uncertain significance (1); Benign (1); Likely benign (2). Last evaluated 2025-06-02.

Conditions:
Hereditary cancer-predisposing syndrome. Also called: Neoplastic Syndromes, Hereditary; Tumor predisposition; Hereditary neoplastic syndrome; Hereditary Cancer Syndrome. Identifiers: Orphanet 140162, MedGen C0027672, MeSH D009386, MONDO:0015356.
Breast-ovarian cancer, familial, susceptibility to, 4. Identifiers: Orphanet 145, MedGen C3280345, MONDO:0013669, OMIM 614291.

Allele frequency attached by ClinVar (database versions not stated): gnomAD 0.00001; TOPMed below 0.00001.
gnomAD v4.1: 1 of 1,614,018 alleles (0.000062%); highest among the groups gnomAD compares: Admixed American, 0.0017%; no homozygotes.

Submissions (4):

Labcorp Genetics (formerly Invitae), Labcorp
Classification: Likely benign for Breast-ovarian cancer, familial, susceptibility to, 4. Last evaluated: 2025-06-02. Review status: criteria provided, single submitter. Criteria: Invitae Variant Classification Sherloc (09022015). Collection method: clinical testing. Allele origin: germline.

Myriad Genetics, Inc.
Classification: Benign for Breast-ovarian cancer, familial, susceptibility to, 4. Last evaluated: 2025-02-24. Review status: criteria provided, single submitter. Criteria: Myriad Autosomal Dominant, Autosomal Recessive and X-Linked Classification Criteria (2023). Collection method: clinical testing. Allele origin: unknown.
Comment: This variant is considered benign. This variant is a silent/synonymous amino acid change and it is not expected to impact splicing.

GeneDx
Classification: Uncertain significance. Last evaluated: 2023-09-27. Review status: criteria provided, single submitter. Criteria: GeneDx Variant Classification Process June 2021. Collection method: clinical testing. Allele origin: germline. Affected: yes.
Comment: Not observed at significant frequency in large population cohorts (gnomAD); In silico analysis supports that this variant does not alter splicing; Has not been previously published as pathogenic or benign to our knowledge

Ambry Genetics
Classification: Likely benign for Hereditary cancer-predisposing syndrome. Last evaluated: 2019-11-30. Review status: criteria provided, single submitter. Criteria: Ambry Variant Classification Scheme 2023. Collection method: clinical testing. Allele origin: germline.